The following is an entry in ClinVar:

ClinVar aggregate classification (germline): Pathogenic (1 of 4 stars; one submission).

Submission:

Labcorp Genetics (formerly Invitae), Labcorp
Classification: Pathogenic. Last evaluated: 2022-02-22. Review status: criteria provided, single submitter. Criteria: Invitae Variant Classification Sherloc (09022015). Collection method: clinical testing. Allele origin: germline.
Comment: For these reasons, this variant has been classified as Pathogenic. Algorithms developed to predict the effect of sequence changes on RNA splicing suggest that this variant may disrupt the consensus splice site. This variant has not been reported in the literature in individuals affected with COL27A1-related conditions. This variant is not present in population databases (gnomAD no frequency). This sequence change creates a premature translational stop signal (p.Gly841Glnfs*10) in the COL27A1 gene. It is expected to result in an absent or disrupted protein product. Loss-of-function variants in COL27A1 are known to be pathogenic (PMID: 24986830, 28276056).

Literature cited by the submitters: PubMed 24986830; PubMed 28276056.

NC_000009.12:g.114231822_114231832del

Gene: COL27A1 (collagen type XXVII alpha 1 chain; plus strand). Cytogenetic location: 9q32.
Variant type: Deletion.
Genome position: GRCh38 VCF-style: chr9-114231820-AGGGACTGATGG-A. GRCh37 (hg19) VCF-style: chr9-116994100-AGGGACTGATGG-A.
Identifiers: ClinVar variation 2095738 (VCV002095738.5), dbSNP rs2491109427, ClinGen allele CA2579428241.